The following is an entry in ClinVar:

ClinVar aggregate classification (germline): Benign (1 of 4 stars; one submission).

Allele frequency attached by ClinVar (database versions not stated): 1000 Genomes Project 0.27496; 1000 Genomes Project 30x 0.28107; TOPMed 0.32728; gnomAD 0.34215 and 0.34552.
gnomAD v4.1: 52,723 of 152,086 alleles (35%); highest among the groups gnomAD compares: South Asian, 50%; 10,578 homozygotes.

Submission:

GeneDx
Classification: Benign. Last evaluated: 2018-06-14. Review status: criteria provided, single submitter. Criteria: GeneDx Variant Classification (06012015). Collection method: clinical testing. Allele origin: germline. Affected: yes.
Comment: This variant is considered likely benign or benign based on one or more of the following criteria: it is a conservative change, it occurs at a poorly conserved position in the protein, it is predicted to be benign by multiple in silico algorithms, and/or has population frequency not consistent with disease.

NM_139242.4(MTFMT):c.542+275A>C

Gene: MTFMT (mitochondrial methionyl-tRNA formyltransferase; minus strand). Cytogenetic location: 15q22.31.
Variant type: single nucleotide variant.
Coding change: c.542+275A>C on transcript NM_139242.4 (MANE Select); 275 bases into the intron after coding-DNA position 542, A replaced by C.
Molecular consequence: intron variant.
Genome position (GRCh38, 1-based): chr15:65,023,397, T>G on the plus strand (A>C on the coding strand, the complement: MTFMT is on the minus strand). VCF-style: chr15-65023397-T-G. GRCh37 (hg19) VCF-style: chr15-65315735-T-G.
Identifiers: ClinVar variation 684264 (VCV000684264.1), dbSNP rs35328312, ClinGen allele CA14134241.
Genomic context (GRCh38, chr15:65,023,397, plus strand): 5'-GCCAGCAAAACCAAGATTCAAAACAATTAACATACAAAAATCCATCTCTCATTTATACAA[T>G]GTATTTTATAGAAATCCGAGTATTAATAATATAACCTATTTCAATTAACAAATTAAAATT-3'